The following is an entry in ClinVar:

ClinVar aggregate classification (germline): Likely pathogenic (1 of 4 stars; one submission).

Conditions:
Lethal congenital contracture syndrome 9 (LCCS9). Identifiers: MedGen C4225303, MONDO:0014670, OMIM 616503.

Allele frequency attached by ClinVar (database versions not stated): TOPMed below 0.00001.

Submission:

Women's Health and Genetics/Laboratory Corporation of America, LabCorp
Classification: Likely pathogenic for Lethal congenital contracture syndrome 9. Last evaluated: 2024-03-14. Review status: criteria provided, single submitter. Criteria: LabCorp Variant Classification Summary - May 2015. Collection method: clinical testing. Allele origin: germline.
Comment: Variant summary: ADGRG6 c.1424+2T>A is located in a canonical splice-site and is predicted to affect mRNA splicing resulting in a significantly altered protein due to either exon skipping, shortening, or inclusion of intronic material. Several computational tools predict a significant impact on normal splicing: Three predict the variant abolishes a 5' splicing donor site. However, these predictions have yet to be confirmed by functional studies. The variant was absent in 171908 control chromosomes (gnomAD). To our knowledge, no occurrence of c.1424+2T>A in individuals affected with Lethal Congenital Contracture Syndrome 9 and no experimental evidence demonstrating its impact on protein function have been reported. No submitters have cited clinical-significance assessments for this variant to ClinVar. Based on the evidence outlined above, the variant was classified as likely pathogenic.

NM_198569.3(ADGRG6):c.1424+2T>A

Gene: ADGRG6 (adhesion G protein-coupled receptor G6; plus strand). Cytogenetic location: 6q24.2.
Variant type: single nucleotide variant.
Coding change: c.1424+2T>A on transcript NM_198569.3 (MANE Select); the canonical splice donor site of the intron after coding-DNA position 1424, T replaced by A.
Molecular consequence: splice donor variant.
Genome position (GRCh38, 1-based): chr6:142,393,960, T>A. VCF-style: chr6-142393960-T-A. GRCh37 (hg19) VCF-style: chr6-142715097-T-A.
Other names: c.1424+2T>A (NM_020455.6); c.1340+2T>A (NM_001032394.3, NM_001032395.3).
Identifiers: ClinVar variation 3233964 (VCV003233964.2), dbSNP rs926862737, ClinGen allele CA149003980.